The following is an entry in ClinVar:

ClinVar aggregate classification (germline): Conflicting classifications of pathogenicity. Review status: criteria provided, conflicting classifications (1 of 4 stars). 7 submissions from 7 submitters: Uncertain significance (2); Likely benign (3). 2 of the submissions do not count toward it. Last evaluated 2026-07-01.

Conditions:
Kleefstra syndrome 1 (KLEFS1). Identifiers: Orphanet 261494, MedGen C0795833, MONDO:0027407, OMIM 610253.
Inborn genetic diseases. Identifiers: MedGen C0950123, MeSH D030342.

Allele frequency attached by ClinVar (database versions not stated): gnomAD 0.00006; TOPMed 0.00006.
gnomAD v4.1: 69 of 1,614,022 alleles (0.0043%); highest among the groups gnomAD compares: Non-Finnish European, 0.0052%; no homozygotes.

Submissions (7):

CeGaT Center for Human Genetics Tuebingen
Classification: Likely benign. Last evaluated: 2026-07-01. Review status: criteria provided, single submitter. Criteria: CeGaT Center For Human Genetics Tuebingen Variant Classification Criteria Version 2. Collection method: clinical testing. Allele origin: germline. Affected: yes. Observed: 2 variant alleles.
Comment: EHMT1: PP3, BS2

Labcorp Genetics (formerly Invitae), Labcorp
Classification: Likely benign for Kleefstra syndrome 1. Last evaluated: 2025-12-01. Review status: criteria provided, single submitter. Criteria: Invitae Variant Classification Sherloc (09022015). Collection method: clinical testing. Allele origin: germline.

GeneDx
Classification: Uncertain significance. Last evaluated: 2023-10-24. Review status: criteria provided, single submitter. Criteria: GeneDx Variant Classification Process June 2021. Collection method: clinical testing. Allele origin: germline.
Comment: In silico analysis supports that this missense variant has a deleterious effect on protein structure/function; Has not been previously published as pathogenic or benign to our knowledge

Ambry Genetics
Classification: Likely benign for Inborn genetic diseases. Last evaluated: 2021-07-09. Review status: criteria provided, single submitter. Criteria: Ambry Variant Classification Scheme 2023. Collection method: clinical testing. Allele origin: germline.

Institute of Human Genetics, University of Leipzig Medical Center
Classification: Uncertain significance for Kleefstra syndrome 1. Last evaluated: 2017-11-01. Review status: criteria provided, single submitter. Criteria: ACMG Guidelines, 2015. Collection method: clinical testing. Allele origin: germline. Affected: yes. Observed: 1 variant allele.

Clinical Genetics DNA and cytogenetics Diagnostics Lab, Erasmus MC, Erasmus Medical Center
Classification: Uncertain significance. Review status: no assertion criteria provided. Collection method: clinical testing. Allele origin: germline. Affected: yes. Study: VKGL Data-share Consensus. Not counted in ClinVar's aggregate classification.

Diagnostic Laboratory, Department of Genetics, University Medical Center Groningen
Classification: Uncertain significance. Review status: no assertion criteria provided. Collection method: clinical testing. Allele origin: germline. Affected: yes. Study: VKGL Data-share Consensus. Not counted in ClinVar's aggregate classification.

NM_024757.5(EHMT1):c.3375G>C (p.Arg1125Ser)

Gene: EHMT1 (euchromatic histone lysine methyltransferase 1; plus strand). Cytogenetic location: 9q34.3.
Variant type: single nucleotide variant.
Coding change: c.3375G>C on transcript NM_024757.5 (MANE Select); coding-DNA position 3375, G replaced by C.
Protein change: p.Arg1125Ser; replaces arginine 1125 with serine.
Molecular consequence: missense variant.
Genome position (GRCh38, 1-based): chr9:137,817,439, G>C. VCF-style: chr9-137817439-G-C. GRCh37 (hg19) VCF-style: chr9-140711891-G-C.
Other names: c.3354G>C, p.Arg1118Ser (NM_001354263.2); short protein forms R1125S, R1118S.
Identifiers: ClinVar variation 662751 (VCV000662751.21), dbSNP rs764006601, ClinGen allele CA5375296.
Genomic context (GRCh38, chr9:137,817,439, plus strand): 5'-ACCATTGTGGCAACAGGCTGAGGCTGTGGCCTGGGTTCACCACTACTCTCTATTTTTCAG[G>C]GCAAGGCTGCAGCTCTACCGGACGCGGGACATGGGCTGGGGCGTGCGGTCCCTGCAGGAC-3'
Protein context (NP_079033.4, residues 1115-1135): CRNRVVQNGL[Arg1125Ser]ARLQLYRTRD